The following is an entry in ClinVar:

ClinVar aggregate classification (germline): Uncertain significance (1 of 4 stars; one submission).

Conditions:
Hereditary cancer-predisposing syndrome. Also called: Neoplastic Syndromes, Hereditary; Tumor predisposition; Hereditary Cancer Syndrome; Hereditary neoplastic syndrome. Identifiers: Orphanet 140162, MedGen C0027672, MeSH D009386, MONDO:0015356.

Submission:

Ambry Genetics
Classification: Uncertain significance for Hereditary cancer-predisposing syndrome. Last evaluated: 2026-06-13. Review status: criteria provided, single submitter. Criteria: Ambry Variant Classification Scheme 2023. Collection method: clinical testing. Allele origin: germline.
Comment: The p.R958K variant (also known as c.2873G>A), located in coding exon 15 of the APC gene, results from a G to A substitution at nucleotide position 2873. The arginine at codon 958 is replaced by lysine, an amino acid with highly similar properties. This amino acid position is conserved. In addition, in silico predictors for this gene do not accurately predict pathogenicity. Based on the available evidence, the clinical significance of this variant remains unclear.

NM_000038.6(APC):c.2873G>A (p.Arg958Lys)

Gene: APC (APC regulator of Wnt signaling pathway; plus strand). Cytogenetic location: 5q22.2.
Variant type: single nucleotide variant.
Coding change: c.2873G>A on transcript NM_000038.6 (MANE Select); coding-DNA position 2873, G replaced by A.
Protein change: p.Arg958Lys; replaces arginine 958 with lysine.
Molecular consequence: missense variant. On other transcripts: non-coding transcript variant (2).
Genome position (GRCh38, 1-based): chr5:112,838,467, G>A. VCF-style: chr5-112838467-G-A. GRCh37 (hg19) VCF-style: chr5-112174164-G-A.
Other names: c.2927G>A, p.Arg976Lys (NM_001407447.1, NM_001407448.1, NM_001407449.1 and 1 more transcripts); c.2873G>A, p.Arg958Lys (NM_001407450.1, NM_001127510.3, NM_001354895.2); c.2852G>A, p.Arg951Lys (NM_001407451.1); c.2843G>A, p.Arg948Lys (NM_001407452.1); c.2696G>A, p.Arg899Lys (NM_001407453.1, NM_001354901.2); c.2624G>A, p.Arg875Lys (NM_001407454.1, NM_001407455.1, NM_001407456.1 and 1 more transcripts); c.2495G>A, p.Arg832Lys (NM_001354904.2); c.2393G>A, p.Arg798Lys (NM_001354905.2); and 11 more; short protein forms R574K, R675K, R798K, R829K, R832K, R857K, R867K, R875K.
Identifiers: ClinVar variation 4862110 (VCV004862110.1).